The following is an entry in ClinVar:

NM_000308.4(CTSA):c.1255-1G>A

Gene: CTSA (cathepsin A; plus strand). Cytogenetic location: 20q13.12.
Variant type: single nucleotide variant.
Coding change: c.1255-1G>A on transcript NM_000308.4 (MANE Select); the canonical splice acceptor site of the intron before coding-DNA position 1255, G replaced by A.
Molecular consequence: splice acceptor variant.
Genome position (GRCh38, 1-based): chr20:45,898,004, G>A. VCF-style: chr20-45898004-G-A. GRCh37 (hg19) VCF-style: chr20-44526643-G-A.
Other names: c.1255-1G>A (NM_001127695.3); c.1204-1G>A (NM_001167594.3).
Identifiers: ClinVar variation 2744766 (VCV002744766.3), dbSNP rs2515448551, ClinGen allele CA409254146.

ClinVar aggregate classification (germline): Likely pathogenic (1 of 4 stars; one submission).

Conditions:
Combined deficiency of sialidase AND beta galactosidase (GSL). Also called: CATHEPSIN A DEFICIENCY; GOLDBERG SYNDROME; NEURAMINIDASE DEFICIENCY WITH BETA-GALACTOSIDASE DEFICIENCY; NEURAMINIDASE/BETA-GALACTOSIDASE EXPRESSION; PPCA DEFICIENCY; PROTECTIVE PROTEIN/CATHEPSIN A DEFICIENCY. Identifiers: Orphanet 351, MedGen C0268233, MONDO:0009737, OMIM 256540.

Allele frequency attached by ClinVar (database versions not stated): gnomAD exomes 0.00001.
gnomAD v4.1: 8 of 1,614,170 alleles (0.0005%); highest among the groups gnomAD compares: Non-Finnish European, 0.00068%; no homozygotes.

Submission:

Labcorp Genetics (formerly Invitae), Labcorp
Classification: Likely pathogenic for Combined deficiency of sialidase AND beta galactosidase. Last evaluated: 2023-07-25. Review status: criteria provided, single submitter. Criteria: Invitae Variant Classification Sherloc (09022015). Collection method: clinical testing. Allele origin: germline.
Comment: This variant is not present in population databases (gnomAD no frequency). In summary, the currently available evidence indicates that the variant is pathogenic, but additional data are needed to prove that conclusively. Therefore, this variant has been classified as Likely Pathogenic. Algorithms developed to predict the effect of sequence changes on RNA splicing suggest that this variant may disrupt the consensus splice site. This variant has not been reported in the literature in individuals affected with CTSA-related conditions. This sequence change affects an acceptor splice site in intron 13 of the CTSA gene. It is expected to disrupt RNA splicing. Variants that disrupt the donor or acceptor splice site typically lead to a loss of protein function (PMID: 16199547), and loss-of-function variants in CTSA are known to be pathogenic (PMID: 15110321, 23915561).

Literature cited by the submitters: PubMed 16199547; PubMed 15110321; PubMed 23915561.